The following is an entry in ClinVar:

NM_001378452.1(ITPR1):c.4051G>A (p.Val1351Ile)

Gene: ITPR1 (inositol 1,4,5-trisphosphate receptor type 1; plus strand). Cytogenetic location: 3p26.1.
Variant type: single nucleotide variant.
Coding change: c.4051G>A on transcript NM_001378452.1 (MANE Select); coding-DNA position 4051, G replaced by A.
Protein change: p.Val1351Ile; replaces valine 1351 with isoleucine.
Molecular consequence: missense variant.
Genome position (GRCh38, 1-based): chr3:4,693,511, G>A. VCF-style: chr3-4693511-G-A. GRCh37 (hg19) VCF-style: chr3-4735195-G-A.
Other names: c.4024G>A, p.Val1342Ile (NM_001099952.4); c.4006G>A, p.Val1336Ile (NM_001168272.2); c.3979G>A, p.Val1327Ile (NM_002222.7); short protein forms V1327I, V1336I, V1342I, V1351I.
Identifiers: ClinVar variation 451266 (VCV000451266.2), dbSNP rs1553697090, ClinGen allele CA351631290.

ClinVar aggregate classification (germline): Uncertain significance (1 of 4 stars; one submission).

Allele frequency attached by ClinVar (database versions not stated): TOPMed below 0.00001; gnomAD 0.00001.
gnomAD v4.1: 1 of 1,613,864 alleles (0.000062%); highest among the groups gnomAD compares: Non-Finnish European, 0.000085%; no homozygotes.

Submission:

GeneDx
Classification: Uncertain significance. Last evaluated: 2017-08-11. Review status: criteria provided, single submitter. Criteria: GeneDx Variant Classification (06012015). Collection method: clinical testing. Allele origin: germline. Affected: yes.
Comment: The V1327I variant in the ITPR1 gene has not been reported previously as a pathogenic variant, nor as a benign variant, to our knowledge. The V1327I variant is not observed in large population cohorts (Lek et al., 2016; 1000 Genomes Consortium et al., 2015; Exome Variant Server). The V1327I variant is a conservative amino acid substitution, which is not likely to impact secondary protein structure as these residues share similar properties. This substitution occurs at a position that is conserved across species. In silico analysis is inconsistent in its predictions as to whether or not the variant is damaging to the protein structure/function. We interpret V1327I as a variant of uncertain significance.